The following is an entry in ClinVar:

NM_206933.4(USH2A):c.9441G>A (p.Trp3147Ter)

Gene: USH2A (usherin; minus strand). Cytogenetic location: 1q41.
Variant type: single nucleotide variant.
Coding change: c.9441G>A on transcript NM_206933.4 (MANE Select); coding-DNA position 9441, G replaced by A.
Protein change: p.Trp3147Ter; replaces tryptophan 3147 with a stop codon.
Molecular consequence: nonsense.
Genome position (GRCh38, 1-based): chr1:215,817,126, C>T on the plus strand (G>A on the coding strand, the complement: USH2A is on the minus strand). VCF-style: chr1-215817126-C-T. GRCh37 (hg19) VCF-style: chr1-215990468-C-T.
Other names: short protein forms W3147*.
Identifiers: ClinVar variation 856307 (VCV000856307.10), dbSNP rs1662880750, ClinGen allele CA344825126.

ClinVar aggregate classification (germline): Pathogenic/Likely pathogenic. Review status: criteria provided, multiple submitters, no conflicts (2 of 4 stars). 4 submissions from 4 submitters: Pathogenic (2); Likely pathogenic (2). Last evaluated 2025-03-26.

Conditions:
Retinitis pigmentosa 39 (RP39). Identifiers: Orphanet 791, MedGen C3151138, MONDO:0013436, OMIM 613809.
Usher syndrome type 2A. Also called: RETINAL DISEASE IN USHER SYNDROME TYPE IIA, MODIFIER OF; USHER SYNDROME, TYPE IIA. Identifiers: Orphanet 231178, Orphanet 886, MedGen C1848634, MONDO:0010169, OMIM 276901.

Allele frequency attached by ClinVar (database versions not stated): TOPMed below 0.00001.

Submissions (4):

Natera, Inc.
Classification: Likely pathogenic for Usher syndrome type 2A. Last evaluated: 2025-03-26. Review status: criteria provided, single submitter. Criteria: Natera Variant Classification Schema (03/2026). Collection method: clinical testing. Allele origin: germline.
Comment: The c.9441G>A variant in USH2A is a nonsense variant predicted to introduce a stop codon at amino acid 3147. This variant is expected to result in nonsense mediated decay, truncation, or a dysfunctional protein product. This variant is rare in the general population with a frequency below the threshold expected for the associated phenotype(s). Given the available evidence, this variant is classified as Likely Pathogenic.

Labcorp Genetics (formerly Invitae), Labcorp
Classification: Pathogenic. Last evaluated: 2024-10-05. Review status: criteria provided, single submitter. Criteria: Invitae Variant Classification Sherloc (09022015). Collection method: clinical testing. Allele origin: germline.
Comment: This sequence change creates a premature translational stop signal (p.Trp3147*) in the USH2A gene. It is expected to result in an absent or disrupted protein product. Loss-of-function variants in USH2A are known to be pathogenic (PMID: 10729113, 10909849, 20507924, 25649381). This variant is not present in population databases (gnomAD no frequency). This variant has not been reported in the literature in individuals affected with USH2A-related conditions. ClinVar contains an entry for this variant (Variation ID: 856307). For these reasons, this variant has been classified as Pathogenic.

Fulgent Genetics
Classification: Pathogenic for Usher syndrome type 2A; Retinitis pigmentosa 39. Last evaluated: 2024-02-27. Review status: criteria provided, single submitter. Criteria: ACMG Guidelines, 2015. Collection method: clinical testing. Allele origin: germline.

Baylor Genetics
Classification: Likely pathogenic for Retinitis pigmentosa 39. Last evaluated: 2023-04-22. Review status: criteria provided, single submitter. Criteria: ACMG Guidelines, 2015. Collection method: clinical testing. Allele origin: unknown.

Literature cited by the submitters: PubMed 10729113 (cited by Labcorp Genetics (formerly Invitae), Labcorp); PubMed 10909849 (cited by Labcorp Genetics (formerly Invitae), Labcorp); PubMed 20507924 (cited by Labcorp Genetics (formerly Invitae), Labcorp); PubMed 25649381 (cited by Labcorp Genetics (formerly Invitae), Labcorp).